The following is an entry in ClinVar:

ClinVar aggregate classification (germline): Pathogenic. Review status: criteria provided, multiple submitters, no conflicts (2 of 4 stars). 2 submissions from 2 submitters: Pathogenic (2). Last evaluated 2025-03-02.

Conditions:
Recessive dystrophic epidermolysis bullosa (RDEB). Also called: Hallopeau-Siemens Disease; EPIDERMOLYSIS BULLOSA DYSTROPHICA, GENERALIZED SEVERE, AUTOSOMAL RECESSIVE; Epidermolysis Bullosa Distrophica Autosomal Recessive (RDEB); DYSTROPHIC EPIDERMOLYSIS BULLOSA, AUTOSOMAL RECESSIVE; EPIDERMOLYSIS BULLOSA DYSTROPHICA, HALLOPEAU-SIEMENS TYPE; epidermolysis bullosa dystrophica, autosomal recessive. Identifiers: Orphanet 79408, Orphanet 79409, MedGen C0079474, MONDO:0009179, OMIM 226600.

Allele frequency attached by ClinVar (database versions not stated): gnomAD exomes below 0.00001.

Submissions (2):

Myriad Genetics, Inc.
Classification: Pathogenic for Recessive dystrophic epidermolysis bullosa. Last evaluated: 2025-03-02. Review status: criteria provided, single submitter. Criteria: Myriad Autosomal Dominant, Autosomal Recessive and X-Linked Classification Criteria (2023). Collection method: clinical testing. Allele origin: unknown.
Comment: NM_000094.3(COL7A1):c.4478delA(E1493Gfs*217) is expected to be pathogenic in the context of dystrophic epidermolysis bullosa. This variant is predicted to lead to an abnormal or absent protein product due to the creation of a premature termination codon in COL7A1, a gene where loss-of-function variants are known to be pathogenic. Please note: this variant was assessed in the context of healthy population screening.

Labcorp Genetics (formerly Invitae), Labcorp
Classification: Pathogenic. Last evaluated: 2023-09-14. Review status: criteria provided, single submitter. Criteria: Invitae Variant Classification Sherloc (09022015). Collection method: clinical testing. Allele origin: germline.
Comment: This variant has not been reported in the literature in individuals affected with COL7A1-related conditions. ClinVar contains an entry for this variant (Variation ID: 853700). For these reasons, this variant has been classified as Pathogenic. This sequence change creates a premature translational stop signal (p.Glu1493Glyfs*217) in the COL7A1 gene. It is expected to result in an absent or disrupted protein product. Loss-of-function variants in COL7A1 are known to be pathogenic (PMID: 16971478). This variant is not present in population databases (gnomAD no frequency).

Literature cited by the submitters: PubMed 16971478 (cited by Labcorp Genetics (formerly Invitae), Labcorp).

NM_000094.4(COL7A1):c.4478del (p.Glu1493fs)

Gene: COL7A1 (collagen type VII alpha 1 chain; minus strand). Cytogenetic location: 3p21.31.
Variant type: Deletion.
Coding change: c.4478del on transcript NM_000094.4 (MANE Select); coding-DNA position 4478, one base deleted (A; older notation c.4478delA).
Protein change: p.Glu1493fs; shifts the reading frame from glutamic acid 1493.
Molecular consequence: frameshift variant.
Genome position (GRCh38, 1-based): chr3:48,583,131, T deleted on the plus strand (A on the coding strand, the reverse complement: COL7A1 is on the minus strand). VCF-style (leftmost placement, unchanged base first): chr3-48583130-CT-C. GRCh37 (hg19) VCF-style: chr3-48620563-CT-C.
Other names: short protein forms E1493fs.
Identifiers: ClinVar variation 853700 (VCV000853700.8), dbSNP rs2044901183, ClinGen allele CA916080328.
Genomic context (GRCh38, chr3:48,583,130, plus strand): 5'-GAGCTGAGTTGGGCCCAGATCCTCCAGGGCCCTTGGCACCCCCCAGGTTGCACTTACCTT[CT>C]CTCCAGCCTCACCCAGGGGCCCTGGAAAGCCCCGGTCACCCTGAAGAGAGAGGGTGAGAG-3'